The following is an entry in ClinVar:

ClinVar aggregate classification (germline): Uncertain significance. Review status: criteria provided, multiple submitters, no conflicts (2 of 4 stars). 2 submissions from 2 submitters: Uncertain significance (2). Last evaluated 2025-01-15.

Conditions:
Inborn genetic diseases. Identifiers: MedGen C0950123, MeSH D030342.

Allele frequency attached by ClinVar (database versions not stated): ExAC 0.00001; TOPMed 0.00001.

Submissions (2):

Labcorp Genetics (formerly Invitae), Labcorp
Classification: Uncertain significance. Last evaluated: 2025-01-15. Review status: criteria provided, single submitter. Criteria: Invitae Variant Classification Sherloc (09022015). Collection method: clinical testing. Allele origin: germline.
Comment: This sequence change replaces aspartic acid, which is acidic and polar, with glycine, which is neutral and non-polar, at codon 539 of the ADAMTS18 protein (p.Asp539Gly). The frequency data for this variant in the population databases is considered unreliable, as metrics indicate poor data quality at this position in the gnomAD database. This variant has not been reported in the literature in individuals affected with ADAMTS18-related conditions. ClinVar contains an entry for this variant (Variation ID: 1473418). An algorithm developed to predict the effect of missense changes on protein structure and function (PolyPhen-2) suggests that this variant is likely to be disruptive. In summary, the available evidence is currently insufficient to determine the role of this variant in disease. Therefore, it has been classified as a Variant of Uncertain Significance.

Ambry Genetics
Classification: Uncertain significance for Inborn genetic diseases. Last evaluated: 2023-02-28. Review status: criteria provided, single submitter. Criteria: Ambry Variant Classification Scheme 2023. Collection method: clinical testing. Allele origin: germline.

NM_199355.4(ADAMTS18):c.1616A>G (p.Asp539Gly)

Gene: ADAMTS18 (ADAM metallopeptidase with thrombospondin type 1 motif 18; minus strand). Cytogenetic location: 16q23.1.
Variant type: single nucleotide variant.
Coding change: c.1616A>G on transcript NM_199355.4 (MANE Select); coding-DNA position 1616, A replaced by G.
Protein change: p.Asp539Gly; replaces aspartic acid 539 with glycine.
Molecular consequence: missense variant.
Genome position (GRCh38, 1-based): chr16:77,341,798, T>C on the plus strand (A>G on the coding strand, the complement: ADAMTS18 is on the minus strand). VCF-style: chr16-77341798-T-C. GRCh37 (hg19) VCF-style: chr16-77375695-T-C.
Other names: c.1616A>G (NM_199355.2); c.1100A>G, p.Asp367Gly (NM_001326358.2); short protein forms D367G, D539G.
Identifiers: ClinVar variation 1473418 (VCV001473418.8), dbSNP rs746143364, ClinGen allele CA8181231.